The following is an entry in ClinVar:

ClinVar aggregate classification (germline): Uncertain significance (1 of 4 stars; one submission).

Submission:

GeneDx
Classification: Uncertain significance. Last evaluated: 2025-08-08. Review status: criteria provided, single submitter. Criteria: GeneDx Variant Classification Process June 2021. Collection method: clinical testing. Allele origin: germline. Affected: yes.
Comment: Not observed at significant frequency in large population cohorts (gnomAD); In silico analysis suggests that this missense variant does not alter protein structure/function; Has not been previously published as pathogenic or benign to our knowledge

NM_006265.3(RAD21):c.1609G>A (p.Glu537Lys)

Gene: RAD21 (RAD21 cohesin complex component; minus strand). Cytogenetic location: 8q24.11.
Variant type: single nucleotide variant.
Coding change: c.1609G>A on transcript NM_006265.3 (MANE Select); coding-DNA position 1609, G replaced by A.
Protein change: p.Glu537Lys; replaces glutamic acid 537 with lysine.
Molecular consequence: missense variant.
Genome position (GRCh38, 1-based): chr8:116,850,629, C>T on the plus strand (G>A on the coding strand, the complement: RAD21 is on the minus strand). VCF-style: chr8-116850629-C-T. GRCh37 (hg19) VCF-style: chr8-117862868-C-T.
Other names: short protein forms E537K.
Identifiers: ClinVar variation 4755682 (VCV004755682.1).
Genomic context (GRCh38, chr8:116,850,629, plus strand): 5'-GGTTGGAGGTTTTTGCTAAATCTGGAATGAAAATTATTAATTAGTTTACCTCTTCCTCTT[C>T]ATCATCTTCTTTTTCCTTCTCTTTCTCCTTCTCTTTTTCTGGCAGAAGTTCTAACTCTGG-3'
Protein context (NP_006256.1, residues 527-547): KEKEKEKEDD[Glu537Lys]EEEDEDASGG